The following is an entry in ClinVar:

ClinVar aggregate classification (germline): Pathogenic (1 of 4 stars; one submission).

Allele frequency attached by ClinVar (database versions not stated): gnomAD exomes below 0.00001; TOPMed 0.00001; ExAC 0.00001.
gnomAD v4.1: 1 of 1,611,120 alleles (0.000062%); highest among the groups gnomAD compares: African/African-American, 0.0013%; no homozygotes.

Submission:

Labcorp Genetics (formerly Invitae), Labcorp
Classification: Pathogenic. Last evaluated: 2025-05-27. Review status: criteria provided, single submitter. Criteria: Invitae Variant Classification Sherloc (09022015). Collection method: clinical testing. Allele origin: germline.
Comment: This sequence change creates a premature translational stop signal (p.Gln43*) in the DENND5A gene. It is expected to result in an absent or disrupted protein product. Loss-of-function variants in DENND5A are known to be pathogenic (PMID: 27431290, 27866705). This variant is present in population databases (rs747796744, gnomAD 0.007%). This variant has not been reported in the literature in individuals affected with DENND5A-related conditions. ClinVar contains an entry for this variant (Variation ID: 2863171). For these reasons, this variant has been classified as Pathogenic.

Literature cited by the submitters: PubMed 27431290; PubMed 27866705.

NM_015213.4(DENND5A):c.127C>T (p.Gln43Ter)

Gene: DENND5A (DENN domain containing 5A; minus strand). Cytogenetic location: 11p15.4.
Variant type: single nucleotide variant.
Coding change: c.127C>T on transcript NM_015213.4 (MANE Select); coding-DNA position 127, C replaced by T.
Protein change: p.Gln43Ter; replaces glutamine 43 with a stop codon.
Molecular consequence: nonsense. On other transcripts: 5 prime UTR variant (1), non-coding transcript variant (1), intron variant (1).
Genome position (GRCh38, 1-based): chr11:9,207,615, G>A on the plus strand (C>T on the coding strand, the complement: DENND5A is on the minus strand). VCF-style: chr11-9207615-G-A. GRCh37 (hg19) VCF-style: chr11-9229162-G-A.
Other names: c.127C>T, p.Gln43Ter (NM_001243254.2, NM_001348748.1); c.-198C>T (NM_001348750.2); c.110-833C>T (NM_001348749.2); short protein forms Q43*.
Identifiers: ClinVar variation 2863171 (VCV002863171.3), dbSNP rs747796744, ClinGen allele CA5877891.